The following is an entry in ClinVar:

NM_001166108.2(PALLD):c.2695T>A (p.Ser899Thr)

Genes: CBR4 (carbonyl reductase 4; minus strand), PALLD (palladin, cytoskeletal associated protein; plus strand). Cytogenetic location: 4q32.3.
Variant type: single nucleotide variant.
Coding change: c.2695T>A on transcript NM_001166108.2 (MANE Select); coding-DNA position 2695, T replaced by A.
Protein change: p.Ser899Thr; replaces serine 899 with threonine.
Molecular consequence: missense variant.
Genome position (GRCh38, 1-based): chr4:168,913,999, T>A. VCF-style: chr4-168913999-T-A. GRCh37 (hg19) VCF-style: chr4-169835150-T-A.
Other names: c.1498T>A, p.Ser500Thr (NM_001166109.2); c.1183T>A, p.Ser395Thr (NM_001166110.2); c.523T>A, p.Ser175Thr (NM_001367567.1, NM_001367569.1); c.574T>A, p.Ser192Thr (NM_001367568.1, NM_001367570.1); c.2644T>A, p.Ser882Thr (NM_016081.4); short protein forms S395T, S882T, S899T, S175T, S500T, S192T.
Identifiers: ClinVar variation 476377 (VCV000476377.14), dbSNP rs182571219, ClinGen allele CA3135929.

ClinVar aggregate classification (germline): Uncertain significance. Review status: criteria provided, multiple submitters, no conflicts (2 of 4 stars). 3 submissions from 3 submitters: Uncertain significance (3). Last evaluated 2024-03-11.

Conditions:
Pancreatic adenocarcinoma. Identifiers: MedGen C0281361, MONDO:0006047, HP:0006725.

Allele frequency attached by ClinVar (database versions not stated): ExAC 0.00009; TOPMed 0.00010; gnomAD exomes 0.00012; 1000 Genomes Project 30x 0.00016; 1000 Genomes Project 0.00020.
gnomAD v4.1: 76 of 1,608,266 alleles (0.0047%); highest among the groups gnomAD compares: Middle Eastern, 0.23%; no homozygotes.

Submissions (3):

Labcorp Genetics (formerly Invitae), Labcorp
Classification: Uncertain significance for Pancreatic adenocarcinoma. Last evaluated: 2024-03-11. Review status: criteria provided, single submitter. Criteria: Invitae Variant Classification Sherloc (09022015). Collection method: clinical testing. Allele origin: germline.
Comment: This sequence change replaces serine, which is neutral and polar, with threonine, which is neutral and polar, at codon 395 of the PALLD protein (p.Ser395Thr). This variant is present in population databases (rs182571219, gnomAD 0.03%). This variant has not been reported in the literature in individuals affected with PALLD-related conditions. ClinVar contains an entry for this variant (Variation ID: 476377). An algorithm developed to predict the effect of missense changes on protein structure and function (PolyPhen-2) suggests that this variant is likely to be tolerated. In summary, the available evidence is currently insufficient to determine the role of this variant in disease. Therefore, it has been classified as a Variant of Uncertain Significance.

Ambry Genetics
Classification: Uncertain significance. Last evaluated: 2022-10-15. Review status: criteria provided, single submitter. Criteria: Ambry Variant Classification Scheme 2023. Collection method: clinical testing. Allele origin: germline.
Comment: The p.S882T variant (also known as c.2644T>A), located in coding exon 14 of the PALLD gene, results from a T to A substitution at nucleotide position 2644. The serine at codon 882 is replaced by threonine, an amino acid with similar properties. This amino acid position is conserved. In addition, this alteration is predicted to be tolerated by in silico analysis. Since supporting evidence is limited at this time, the clinical significance of this alteration remains unclear.

Breakthrough Genomics
Classification: Uncertain significance. Review status: criteria provided, single submitter. Criteria: ACMG Guidelines, 2015. Collection method: not provided. Allele origin: germline. Inheritance: Autosomal dominant inheritance. Affected: yes.